The following is an entry in ClinVar:

NM_024649.5(BBS1):c.1446C>T (p.Ala482=)

Genes: BBS1 (Bardet-Biedl syndrome 1; plus strand), ZDHHC24 (zDHHC palmitoyltransferase 24; minus strand). Cytogenetic location: 11q13.2.
Variant type: single nucleotide variant.
Coding change: c.1446C>T on transcript NM_024649.5 (MANE Select); coding-DNA position 1446, C replaced by T.
Protein change: p.Ala482=; no amino-acid change (alanine 482 retained).
Molecular consequence: synonymous variant. On other transcripts: intron variant (1).
Genome position (GRCh38, 1-based): chr11:66,529,925, C>T. VCF-style: chr11-66529925-C-T. GRCh37 (hg19) VCF-style: chr11-66297396-C-T.
Other names: c.560-437G>A (NM_001348571.2).
Identifiers: ClinVar variation 1094520 (VCV001094520.10), dbSNP rs553123090, ClinGen allele CA475340711.

ClinVar aggregate classification (germline): Likely benign. Review status: criteria provided, single submitter (1 of 4 stars). 2 submissions from 2 submitters: Likely benign (1). 1 of the submissions does not count toward it. Last evaluated 2019-09-14.

Conditions:
BBS1-related disorder. Also called: BBS1-related condition.
Bardet-Biedl syndrome (BBS). Identifiers: Orphanet 110, MedGen C0752166, MONDO:0015229.

Submissions (2):

Labcorp Genetics (formerly Invitae), Labcorp
Classification: Likely benign for Bardet-Biedl syndrome. Last evaluated: 2019-09-14. Review status: criteria provided, single submitter. Criteria: Invitae Variant Classification Sherloc (09022015). Collection method: clinical testing. Allele origin: germline.

PreventionGenetics, part of Exact Sciences
Classification: Likely benign for BBS1-related condition. Last evaluated: 2024-08-26. Review status: no assertion criteria provided. Collection method: clinical testing. Allele origin: germline. Not counted in ClinVar's aggregate classification.
Comment: This variant is classified as likely benign based on ACMG/AMP sequence variant interpretation guidelines (Richards et al. 2015 PMID: 25741868, with internal and published modifications).